The following is an entry in ClinVar:

NM_001040108.2(MLH3):c.629G>A (p.Arg210Gln)

Gene: MLH3 (mutL homolog 3; minus strand). Cytogenetic location: 14q24.3.
Variant type: single nucleotide variant.
Coding change: c.629G>A on transcript NM_001040108.2 (MANE Select); coding-DNA position 629, G replaced by A.
Protein change: p.Arg210Gln; replaces arginine 210 with glutamine.
Molecular consequence: missense variant.
Genome position (GRCh38, 1-based): chr14:75,049,027, C>T on the plus strand (G>A on the coding strand, the complement: MLH3 is on the minus strand). VCF-style: chr14-75049027-C-T. GRCh37 (hg19) VCF-style: chr14-75515730-C-T.
Other names: c.629G>A, p.Arg210Gln (NM_014381.3); short protein forms R210Q.
Identifiers: ClinVar variation 1010228 (VCV001010228.13), dbSNP rs143631202, ClinGen allele CA7275992.
Genomic context (GRCh38, chr14:75,049,027, plus strand): 5'-TATTTAAAACTTATTTCTCTTAGCTTTTGGGACTTTCCCAATCCATAAATTTGACAAAAT[C>T]GGGAACATACGTCTTTGGTTTTAGGGAGCTGAAGAACCATGGAACCAGAAACATCATTTC-3'
Protein context (NP_001035197.1, residues 200-220): QLPKTKDVCS[Arg210Gln]FCQIYGLGKS

ClinVar aggregate classification (germline): Uncertain significance. Review status: criteria provided, multiple submitters, no conflicts (2 of 4 stars). 3 submissions from 3 submitters: Uncertain significance (3). Last evaluated 2025-03-04.

Conditions:
Colorectal cancer, hereditary nonpolyposis, type 7. Identifiers: Orphanet 144, MedGen C1858380, MONDO:0013725, OMIM 614385.

Allele frequency attached by ClinVar (database versions not stated): TOPMed 0.00002; ExAC 0.00003; gnomAD exomes 0.00004; ESP Exome Variant Server 0.00008.
gnomAD v4.1: 30 of 1,614,032 alleles (0.0019%); highest among the groups gnomAD compares: Middle Eastern, 0.016%; no homozygotes.

Submissions (3):

Center for Genomic Medicine, Rigshospitalet, Copenhagen University Hospital
Classification: Uncertain significance. Last evaluated: 2025-03-04. Review status: criteria provided, single submitter. Criteria: ACMG Guidelines, 2015. Collection method: clinical testing. Allele origin: germline.

Labcorp Genetics (formerly Invitae), Labcorp
Classification: Uncertain significance for Colorectal cancer, hereditary nonpolyposis, type 7. Last evaluated: 2024-04-29. Review status: criteria provided, single submitter. Criteria: Invitae Variant Classification Sherloc (09022015). Collection method: clinical testing. Allele origin: germline.
Comment: This sequence change replaces arginine, which is basic and polar, with glutamine, which is neutral and polar, at codon 210 of the MLH3 protein (p.Arg210Gln). This variant is present in population databases (rs143631202, gnomAD 0.009%). This variant has not been reported in the literature in individuals affected with MLH3-related conditions. ClinVar contains an entry for this variant (Variation ID: 1010228). An algorithm developed to predict the effect of missense changes on protein structure and function (PolyPhen-2) suggests that this variant is likely to be disruptive. In summary, the available evidence is currently insufficient to determine the role of this variant in disease. Therefore, it has been classified as a Variant of Uncertain Significance.

Ambry Genetics
Classification: Uncertain significance. Last evaluated: 2023-12-30. Review status: criteria provided, single submitter. Criteria: Ambry Variant Classification Scheme 2023. Collection method: clinical testing. Allele origin: germline.
Comment: The p.R210Q variant (also known as c.629G>A), located in coding exon 1 of the MLH3 gene, results from a G to A substitution at nucleotide position 629. The arginine at codon 210 is replaced by glutamine, an amino acid with highly similar properties. This amino acid position is highly conserved in available vertebrate species. In addition, this alteration is predicted to be deleterious by in silico analysis. The evidence for this gene-disease relationship is limited; therefore, the clinical significance of this alteration is unclear.